The following is an entry in ClinVar:

NM_001161352.2(KCNMA1):c.3166A>G (p.Ile1056Val)

Genes: KCNMA1-AS1 (KCNMA1 antisense RNA 1; plus strand), KCNMA1 (potassium calcium-activated channel subfamily M alpha 1; minus strand). Cytogenetic location: 10q22.3.
Variant type: single nucleotide variant.
Coding change: c.3166A>G on transcript NM_001161352.2 (MANE Select); coding-DNA position 3166, A replaced by G.
Protein change: p.Ile1056Val; replaces isoleucine 1056 with valine.
Molecular consequence: missense variant.
Genome position (GRCh38, 1-based): chr10:76,891,701, T>C on the plus strand (A>G on the coding strand, the complement: KCNMA1 is on the minus strand). VCF-style: chr10-76891701-T-C. GRCh37 (hg19) VCF-style: chr10-78651459-T-C.
Other names: c.3004A>G, p.Ile1002Val (NM_001014797.3); c.3115A>G, p.Ile1039Val (NM_001161353.2); c.2842A>G, p.Ile948Val (NM_001271518.2); c.3082A>G, p.Ile1028Val (NM_001271519.2); c.3001A>G, p.Ile1001Val (NM_001322829.2, NM_001322836.2); c.3094A>G, p.Ile1032Val (NM_001322830.2); c.2992A>G, p.Ile998Val (NM_001322832.2, NM_002247.4); c.3085A>G, p.Ile1029Val (NM_001322835.2, NM_001322837.2); and 2 more; short protein forms I1001V, I1002V, I1028V, I1029V, I1032V, I1039V, I1056V, I847V.
Identifiers: ClinVar variation 1025180 (VCV001025180.10), dbSNP rs1005340112, ClinGen allele CA210076860.

ClinVar aggregate classification (germline): Uncertain significance. Review status: criteria provided, multiple submitters, no conflicts (2 of 4 stars). 2 submissions from 2 submitters: Uncertain significance (2). Last evaluated 2025-11-26.

Conditions:
Generalized epilepsy-paroxysmal dyskinesia syndrome (PNKD3). Also called: Generalized epilepsy and paroxysmal dyskinesia; Paroxysmal nonkinesigenic dyskinesia, 3, with or without generalized epilepsy. Identifiers: Orphanet 79137, MedGen C5574945, MONDO:0012276, OMIM 609446.
Inborn genetic diseases. Identifiers: MedGen C0950123, MeSH D030342.

Allele frequency attached by ClinVar (database versions not stated): gnomAD 0.00001; TOPMed 0.00001.
gnomAD v4.1: 1 of 1,613,816 alleles (0.000062%); highest among the groups gnomAD compares: Non-Finnish European, 0.000085%; no homozygotes.

Submissions (2):

Ambry Genetics
Classification: Uncertain significance for Inborn genetic diseases. Last evaluated: 2025-11-26. Review status: criteria provided, single submitter. Criteria: Ambry Variant Classification Scheme 2023. Collection method: clinical testing. Allele origin: germline.

Labcorp Genetics (formerly Invitae), Labcorp
Classification: Uncertain significance for Generalized epilepsy-paroxysmal dyskinesia syndrome. Last evaluated: 2022-05-25. Review status: criteria provided, single submitter. Criteria: Invitae Variant Classification Sherloc (09022015). Collection method: clinical testing. Allele origin: germline.
Comment: This variant is not present in population databases (gnomAD no frequency). This sequence change replaces isoleucine, which is neutral and non-polar, with valine, which is neutral and non-polar, at codon 998 of the KCNMA1 protein (p.Ile998Val). This variant has not been reported in the literature in individuals affected with KCNMA1-related conditions. In summary, the available evidence is currently insufficient to determine the role of this variant in disease. Therefore, it has been classified as a Variant of Uncertain Significance. Algorithms developed to predict the effect of missense changes on protein structure and function (SIFT, PolyPhen-2, Align-GVGD) all suggest that this variant is likely to be tolerated. ClinVar contains an entry for this variant (Variation ID: 1025180).